The following is an entry in ClinVar:

ClinVar aggregate classification (germline): Uncertain significance. Review status: criteria provided, multiple submitters, no conflicts (2 of 4 stars). 2 submissions from 2 submitters: Uncertain significance (2). Last evaluated 2024-02-28.

Allele frequency attached by ClinVar (database versions not stated): gnomAD exomes below 0.00001 and 0.00001; gnomAD 0.00001; TOPMed 0.00001.
gnomAD v4.1: 10 of 1,612,592 alleles (0.00062%); highest among the groups gnomAD compares: Admixed American, 0.0017%; no homozygotes.

Submissions (2):

Blueprint Genetics
Classification: Uncertain significance. Last evaluated: 2024-02-28. Review status: criteria provided, single submitter. Criteria: ACMG Guidelines, 2015. Collection method: clinical testing. Allele origin: germline.

Labcorp Genetics (formerly Invitae), Labcorp
Classification: Uncertain significance. Last evaluated: 2022-09-01. Review status: criteria provided, single submitter. Criteria: Invitae Variant Classification Sherloc (09022015). Collection method: clinical testing. Allele origin: germline.
Comment: In summary, the available evidence is currently insufficient to determine the role of this variant in disease. Therefore, it has been classified as a Variant of Uncertain Significance. Algorithms developed to predict the effect of sequence changes on RNA splicing suggest that this variant may disrupt the consensus splice site. Algorithms developed to predict the effect of missense changes on protein structure and function (SIFT, PolyPhen-2, Align-GVGD) all suggest that this variant is likely to be tolerated. ClinVar contains an entry for this variant (Variation ID: 1359465). This variant has not been reported in the literature in individuals affected with PDE6A-related conditions. This variant is present in population databases (no rsID available, gnomAD 0.002%). This sequence change replaces aspartic acid, which is acidic and polar, with glycine, which is neutral and non-polar, at codon 309 of the PDE6A protein (p.Asp309Gly).

NM_000440.3(PDE6A):c.926A>G (p.Asp309Gly)

Gene: PDE6A (phosphodiesterase 6A; minus strand). Cytogenetic location: 5q32.
Variant type: single nucleotide variant.
Coding change: c.926A>G on transcript NM_000440.3 (MANE Select); coding-DNA position 926, A replaced by G.
Protein change: p.Asp309Gly; replaces aspartic acid 309 with glycine.
Molecular consequence: missense variant.
Genome position (GRCh38, 1-based): chr5:149,921,642, T>C on the plus strand (A>G on the coding strand, the complement: PDE6A is on the minus strand). VCF-style: chr5-149921642-T-C. GRCh37 (hg19) VCF-style: chr5-149301205-T-C.
Other names: short protein forms D309G.
Identifiers: ClinVar variation 1359465 (VCV001359465.8), dbSNP rs1277469106, ClinGen allele CA361700723.
Genomic context (GRCh38, chr5:149,921,642, plus strand): 5'-TGCCTTGCATTTGAATATATTAAATCATACTGAAAAGGTCAGAGAGAACGTACTCTTCCA[T>C]CCGGAGTCCTGGGACCAGAGTAAGGTGGAACTTCACCCATCAGAACCGGCCACACATCAA-3'
Protein context (NP_000431.2, residues 299-319): VPPYSGPRTP[Asp309Gly]GREINFYKVI